The following is an entry in ClinVar:

ClinVar aggregate classification (germline): Uncertain significance (1 of 4 stars; one submission).

Submission:

Labcorp Genetics (formerly Invitae), Labcorp
Classification: Uncertain significance. Last evaluated: 2023-12-06. Review status: criteria provided, single submitter. Criteria: Invitae Variant Classification Sherloc (09022015). Collection method: clinical testing. Allele origin: germline.
Comment: This sequence change replaces proline, which is neutral and non-polar, with serine, which is neutral and polar, at codon 1761 of the SPEG protein (p.Pro1761Ser). This variant is not present in population databases (gnomAD no frequency). This variant has not been reported in the literature in individuals affected with SPEG-related conditions. ClinVar contains an entry for this variant (Variation ID: 1383455). An algorithm developed to predict the effect of missense changes on protein structure and function (PolyPhen-2) suggests that this variant is likely to be disruptive. In summary, the available evidence is currently insufficient to determine the role of this variant in disease. Therefore, it has been classified as a Variant of Uncertain Significance.

NM_005876.5(SPEG):c.5281C>T (p.Pro1761Ser)

Gene: SPEG (striated muscle enriched protein kinase; plus strand). Cytogenetic location: 2q35.
Variant type: single nucleotide variant.
Coding change: c.5281C>T on transcript NM_005876.5 (MANE Select); coding-DNA position 5281, C replaced by T.
Protein change: p.Pro1761Ser; replaces proline 1761 with serine.
Molecular consequence: missense variant.
Genome position (GRCh38, 1-based): chr2:219,480,079, C>T. VCF-style: chr2-219480079-C-T. GRCh37 (hg19) VCF-style: chr2-220344801-C-T.
Other names: short protein forms P1761S.
Identifiers: ClinVar variation 1383455 (VCV001383455.6), dbSNP rs2125531474, ClinGen allele CA350688776.